The following is an entry in ClinVar:

NM_006767.4(LZTR1):c.1943-9T>A

Gene: LZTR1 (leucine zipper like post translational regulator 1; plus strand). Cytogenetic location: 22q11.21.
Variant type: single nucleotide variant.
Coding change: c.1943-9T>A on transcript NM_006767.4 (MANE Select); 9 bases into the intron before coding-DNA position 1943, T replaced by A.
Molecular consequence: intron variant.
Genome position (GRCh38, 1-based): chr22:20,995,737, T>A. VCF-style: chr22-20995737-T-A. GRCh37 (hg19) VCF-style: chr22-21350026-T-A.
Identifiers: ClinVar variation 3030142 (VCV003030142.2), dbSNP rs2518623741, ClinGen allele CA2655459723.

ClinVar aggregate classification (germline): Uncertain significance (0 of 4 stars; one submission).

Conditions:
LZTR1-related disorder. Also called: LZTR1-related disorders; LZTR1-related condition.

Allele frequency attached by ClinVar (database versions not stated): gnomAD exomes 0.00001.
gnomAD v4.1: 4 of 1,613,418 alleles (0.00025%); highest among the groups gnomAD compares: Non-Finnish European, 0.00034%; no homozygotes.

Submission:

PreventionGenetics, part of Exact Sciences
Classification: Uncertain significance for LZTR1-related condition. Last evaluated: 2023-11-29. Review status: no assertion criteria provided. Collection method: clinical testing. Allele origin: germline.
Comment: The LZTR1 c.1943-9T>A variant is predicted to interfere with splicing. To our knowledge, this variant has not been reported in the literature or in a large population database, indicating this variant is rare. At this time, the clinical significance of this variant is uncertain due to the absence of conclusive functional and genetic evidence.